The following is an entry in ClinVar:

NC_000002.11:g.(?_71801318)_(71801511_?)del

Gene: DYSF (dysferlin; plus strand). Cytogenetic location: 2p13.2.
Variant type: Deletion.
Identifiers: ClinVar variation 2424690 (VCV002424690.4).

ClinVar aggregate classification (germline): Pathogenic (1 of 4 stars; one submission).

Conditions:
Neuromuscular disease caused by qualitative or quantitative defects of dysferlin. Also called: Dysferlinopathy; Qualitative or quantitative defects of dysferlin. Identifiers: Orphanet 207073, MedGen C2931687, MONDO:0016145.

Submission:

Labcorp Genetics (formerly Invitae), Labcorp
Classification: Pathogenic for Neuromuscular disease caused by qualitative or quantitative defects of dysferlin. Last evaluated: 2022-09-18. Review status: criteria provided, single submitter. Criteria: Invitae Variant Classification Sherloc (09022015). Collection method: clinical testing. Allele origin: germline.
Comment: For these reasons, this variant has been classified as Pathogenic. This variant disrupts a region of the DYSF protein in which other variant(s) (p.Trp1094Arg) have been determined to be pathogenic (PMID: 31268554, 33250842). This suggests that this is a clinically significant region of the protein, and that variants that disrupt it are likely to be disease-causing. This variant has not been reported in the literature in individuals affected with DYSF-related conditions. This variant is a gross deletion of the genomic region encompassing exon(s) 30 of the DYSF gene. This variant would be expected to be in-frame, preserving the integrity of the reading frame.

Literature cited by the submitters: PubMed 31268554; PubMed 33250842.